The following is an entry in ClinVar:

NM_001374385.1(ATP8B1):c.3155T>G (p.Leu1052Arg)

Genes: ATP8B1 (ATPase phospholipid transporting 8B1; minus strand), ATP8B1-AS1 (ATP8B1 antisense RNA 1; plus strand). Cytogenetic location: 18q21.31.
Variant type: single nucleotide variant.
Coding change: c.3155T>G on transcript NM_001374385.1 (MANE Select); coding-DNA position 3155, T replaced by G.
Protein change: p.Leu1052Arg; replaces leucine 1052 with arginine.
Molecular consequence: missense variant.
Genome position (GRCh38, 1-based): chr18:57,652,590, A>C on the plus strand (T>G on the coding strand, the complement: ATP8B1 is on the minus strand). VCF-style: chr18-57652590-A-C. GRCh37 (hg19) VCF-style: chr18-55319822-A-C.
Other names: p.Leu1052Arg; c.3005T>G, p.Leu1002Arg (NM_001374386.1); c.3155T>G, p.Leu1052Arg (NM_005603.6); c.3155T>G (NM_005603.4); short protein forms L1052R, L1002R.
Identifiers: ClinVar variation 498699 (VCV000498699.8), dbSNP rs139083067, ClinGen allele CA8974073.

ClinVar aggregate classification (germline): Uncertain significance. Review status: criteria provided, multiple submitters, no conflicts (2 of 4 stars). 4 submissions from 4 submitters: Uncertain significance (4). Last evaluated 2026-04-14.

Conditions:
ATP8B1-related disorder. Also called: ATP8B1-related disorders; ATP8B1-related condition.
Familial intrahepatic cholestasis. Identifiers: Orphanet 284385, MedGen CN296401, MONDO:0017290.

Allele frequency attached by ClinVar (database versions not stated): TOPMed 0.00012; gnomAD 0.00013 and 0.00014; ExAC 0.00028; ESP Exome Variant Server 0.00031.
gnomAD v4.1: 334 of 1,614,084 alleles (0.021%); highest among the groups gnomAD compares: Non-Finnish European, 0.025%; no homozygotes.

Submissions (4):

Genomenon, Inc
Classification: Uncertain significance for Familial intrahepatic cholestasis. Last evaluated: 2026-04-14. Review status: criteria provided, single submitter. Criteria: Genomenon Sequence Variant Interpretation Standards - Updated. Collection method: curation. Allele origin: germline. Affected: no.
Comment: ATP8B1 p.Leu1052Arg (c.3155T>G) is a missense variant that changes the amino acid at residue 1052 from Leucine to Arginine. This variant has been reported in the published literature (PMID:35894240). It is absent or not present at a significant frequency in gnomAD. In silico models predict that this variant is not damaging. In conclusion, we classify ATP8B1 p.Leu1052Arg (c.3155T>G) as a variant of uncertain significance.

PreventionGenetics, part of Exact Sciences
Classification: Uncertain significance for ATP8B1-related condition. Last evaluated: 2026-01-23. Review status: criteria provided, single submitter. Criteria: ACMG Guidelines, 2015. Collection method: clinical testing. Allele origin: germline.
Comment: The ATP8B1 c.3155T>G variant is predicted to result in the amino acid substitution p.Leu1052Arg. This variant was reported in an individual with primary sclerosing cholangitis (Nayagam et al. 2022. PubMed ID: 35894240). This variant is reported in 0.038% of alleles in individuals of European (Non-Finnish) descent in gnomAD. At this time, the clinical significance of this variant is uncertain due to the absence of conclusive functional and genetic evidence.

Mayo Clinic Laboratories, Mayo Clinic
Classification: Uncertain significance. Last evaluated: 2022-10-03. Review status: criteria provided, single submitter. Criteria: ACMG Guidelines, 2015. Collection method: clinical testing. Allele origin: germline. Observed: 1 variant allele.
Comment: BP4, PM2

Eurofins Ntd Llc (ga)
Classification: Uncertain significance. Last evaluated: 2017-12-27. Review status: criteria provided, single submitter. Criteria: EGL Classification Definitions 2015. Collection method: clinical testing. Allele origin: germline. Observed: 2 variant alleles, 2 heterozygotes.

Literature cited by the submitters: PubMed 35894240 (cited by Genomenon, Inc and Mayo Clinic Laboratories, Mayo Clinic).